The following is an entry in ClinVar:

ClinVar aggregate classification (germline): Uncertain significance (1 of 4 stars; one submission).

Submission:

GeneDx
Classification: Uncertain significance. Last evaluated: 2022-04-15. Review status: criteria provided, single submitter. Criteria: GeneDx Variant Classification Process June 2021. Collection method: clinical testing. Allele origin: germline. Affected: yes.
Comment: Not observed at significant frequency in large population cohorts (gnomAD); In silico analysis supports that this missense variant has a deleterious effect on protein structure/function; Has not been previously published as pathogenic or benign to our knowledge

NM_001292063.2(OTOG):c.1852G>T (p.Asp618Tyr)

Gene: OTOG (otogelin; plus strand). Cytogenetic location: 11p15.1.
Variant type: single nucleotide variant.
Coding change: c.1852G>T on transcript NM_001292063.2 (MANE Select); coding-DNA position 1852, G replaced by T.
Protein change: p.Asp618Tyr; replaces aspartic acid 618 with tyrosine.
Molecular consequence: missense variant.
Genome position (GRCh38, 1-based): chr11:17,570,287, G>T. VCF-style: chr11-17570287-G-T. GRCh37 (hg19) VCF-style: chr11-17591834-G-T.
Other names: c.1888G>T, p.Asp630Tyr (NM_001277269.2); short protein forms D618Y, D630Y.
Identifiers: ClinVar variation 1710765 (VCV001710765.2), dbSNP rs528477122, ClinGen allele CA218504334.